The following is an entry in ClinVar:

ClinVar aggregate classification (germline): Uncertain significance. Review status: criteria provided, multiple submitters, no conflicts (2 of 4 stars). 2 submissions from 2 submitters: Uncertain significance (2). Last evaluated 2021-09-30.

Conditions:
Cornelia de Lange syndrome 1 (CDLS1). Also called: NIPBL-Related Cornelia de Lange Syndrome; TYPUS DEGENERATIVUS AMSTELODAMENSIS; Brachmann de Lange syndrome. Identifiers: Orphanet 199, MedGen C4551851, MONDO:0007387, OMIM 122470.

gnomAD v4.1: 2 of 1,614,012 alleles (0.00012%); highest among the groups gnomAD compares: Non-Finnish European, 0.00017%; no homozygotes.

Submissions (2):

GeneDx
Classification: Uncertain significance. Last evaluated: 2021-09-30. Review status: criteria provided, single submitter. Criteria: GeneDx Variant Classification Process June 2021. Collection method: clinical testing. Allele origin: germline. Affected: yes.
Comment: Not observed in large population cohorts (Lek et al., 2016); In silico analysis supports that this missense variant does not alter protein structure/function; Has not been previously published as pathogenic or benign to our knowledge

Fulgent Genetics
Classification: Uncertain significance for Cornelia de Lange syndrome 1. Last evaluated: 2021-08-04. Review status: criteria provided, single submitter. Criteria: ACMG Guidelines, 2015. Collection method: clinical testing. Allele origin: unknown.

NM_133433.4(NIPBL):c.209A>G (p.Asn70Ser)

Gene: NIPBL (NIPBL cohesin loading factor; plus strand). Cytogenetic location: 5p13.2.
Variant type: single nucleotide variant.
Coding change: c.209A>G on transcript NM_133433.4 (MANE Select); coding-DNA position 209, A replaced by G.
Protein change: p.Asn70Ser; replaces asparagine 70 with serine.
Molecular consequence: missense variant.
Genome position (GRCh38, 1-based): chr5:36,955,616, A>G. VCF-style: chr5-36955616-A-G. GRCh37 (hg19) VCF-style: chr5-36955718-A-G.
Other names: c.209A>G, p.Asn70Ser (NM_015384.5); short protein forms N70S.
Identifiers: ClinVar variation 1301448 (VCV001301448.3), dbSNP rs2149599601, ClinGen allele CA359474468.
Genomic context (GRCh38, chr5:36,955,616, plus strand): 5'-TGAACTGCCTTTTGGCTTGTAGGGATGACAATTTGGTTTCACAGCTTGTCCATAGCCTCA[A>G]CCAGGTATCAACAGATCACATGTAAGTATGATCAATTTTATATCTACTATAAGTGAAAAG-3'
Protein context (NP_597677.2, residues 60-80): NLVSQLVHSL[Asn70Ser]QVSTDHIELK